The following is an entry in ClinVar:

ClinVar aggregate classification (germline): Uncertain significance. Review status: criteria provided, multiple submitters, no conflicts (2 of 4 stars). 2 submissions from 2 submitters: Uncertain significance (2). Last evaluated 2025-03-21.

Conditions:
Cardiovascular phenotype. Identifiers: MedGen CN230736.

gnomAD v4.1: 12 of 1,492,800 alleles (0.0008%); highest among the groups gnomAD compares: Non-Finnish European, 0.00098%; no homozygotes.

Submissions (2):

Mayo Clinic Laboratories, Mayo Clinic
Classification: Uncertain significance. Last evaluated: 2025-03-21. Review status: criteria provided, single submitter. Criteria: ACMG Guidelines, 2015. Collection method: clinical testing. Allele origin: germline. Observed: 1 variant allele.
Comment: BP4_moderate

Ambry Genetics
Classification: Uncertain significance for Cardiovascular phenotype. Last evaluated: 2025-01-10. Review status: criteria provided, single submitter. Criteria: Ambry Variant Classification Scheme 2023. Collection method: clinical testing. Allele origin: germline.
Comment: The p.R3128W variant (also known as c.9382C>T), located in coding exon 2 of the ZNF469 gene, results from a C to T substitution at nucleotide position 9382. The arginine at codon 3128 is replaced by tryptophan, an amino acid with dissimilar properties. This amino acid position is conserved. In addition, this alteration is predicted to be tolerated by in silico analysis. Based on the available evidence, the clinical significance of this variant remains unclear.

NM_001367624.2(ZNF469):c.9466C>T (p.Arg3156Trp)

Gene: ZNF469 (zinc finger protein 469; plus strand). Cytogenetic location: 16q24.2.
Variant type: single nucleotide variant.
Coding change: c.9466C>T on transcript NM_001367624.2 (MANE Select); coding-DNA position 9466, C replaced by T.
Protein change: p.Arg3156Trp; replaces arginine 3156 with tryptophan.
Molecular consequence: missense variant.
Genome position (GRCh38, 1-based): chr16:88,436,936, C>T. VCF-style: chr16-88436936-C-T. GRCh37 (hg19) VCF-style: chr16-88503344-C-T.
Other names: NM_001127464.1:c.9382C>T; p.Arg3156Trp; short protein forms R3156W.
Identifiers: ClinVar variation 3821111 (VCV003821111.2).